The following is an entry in ClinVar:

NM_001369.3(DNAH5):c.3552_3561delinsCA (p.Ala1185fs)

Genes: DNAH5 (dynein axonemal heavy chain 5; minus strand), DNAH5-AS1 (DNAH5 antisense RNA 1; plus strand). Cytogenetic location: 5p15.2.
Variant type: Indel.
Coding change: c.3552_3561delinsCA on transcript NM_001369.3 (MANE Select); coding-DNA positions 3552 to 3561, TGCTGAGCCT replaced by CA.
Protein change: p.Ala1185fs; shifts the reading frame from alanine 1185.
Molecular consequence: frameshift variant.
Genome position (GRCh38, 1-based): chr5:13,871,601-13,871,610, AGGCTCAGCA replaced by TG on the plus strand (TGCTGAGCCT replaced by CA on the coding strand, the reverse complement: DNAH5 is on the minus strand). VCF-style: chr5-13871601-AGGCTCAGCA-TG. GRCh37 (hg19) VCF-style: chr5-13871710-AGGCTCAGCA-TG.
Other names: short protein forms A1185fs.
Identifiers: ClinVar variation 5010912 (VCV005010912.1).

ClinVar aggregate classification (germline): Pathogenic (1 of 4 stars; one submission).

Conditions:
Primary ciliary dyskinesia 3. Identifiers: Orphanet 244, MedGen C1837618, MONDO:0012085, OMIM 608644.

Submission:

Myriad Genetics, Inc.
Classification: Pathogenic for Primary ciliary dyskinesia 3. Last evaluated: 2024-05-14. Review status: criteria provided, single submitter. Criteria: Myriad Autosomal Dominant, Autosomal Recessive and X-Linked Classification Criteria (2023). Collection method: clinical testing. Allele origin: unknown.
Comment: NM_001369.2(DNAH5):c.3552_3561del10ins2(A1185Rfs*14) is expected to be pathogenic in the context of primary ciliary dyskinesia, DNAH5-related. This variant is predicted to lead to an abnormal or absent protein product due to the creation of a premature termination codon in DNAH5, a gene where loss-of-function variants are known to be pathogenic. Please note: this variant was assessed in the context of healthy population screening.